The following is an entry in ClinVar:

NM_005902.4(SMAD3):c.1009+11C>T

Gene: SMAD3 (SMAD family member 3; plus strand). Cytogenetic location: 15q22.33.
Variant type: single nucleotide variant.
Coding change: c.1009+11C>T on transcript NM_005902.4 (MANE Select); 11 bases into the intron after coding-DNA position 1009, C replaced by T.
Molecular consequence: intron variant.
Genome position (GRCh38, 1-based): chr15:67,184,875, C>T. VCF-style: chr15-67184875-C-T. GRCh37 (hg19) VCF-style: chr15-67477213-C-T.
Other names: c.694+11C>T (NM_001145102.2); c.877+11C>T (NM_001145103.2); c.424+11C>T (NM_001145104.2).
Identifiers: ClinVar variation 514145 (VCV000514145.8), dbSNP rs774180178, ClinGen allele CA061481.

ClinVar aggregate classification (germline): Likely benign. Review status: criteria provided, multiple submitters, no conflicts (2 of 4 stars). 2 submissions from 2 submitters: Likely benign (2). Last evaluated 2025-12-29.

Conditions:
Familial thoracic aortic aneurysm and aortic dissection (TAAD). Also called: Thoracic aortic aneurysms and dissections. Identifiers: Orphanet 91387, MedGen C4707243, MONDO:0019625.

Allele frequency attached by ClinVar (database versions not stated): gnomAD 0.00001; gnomAD exomes 0.00001 and 0.00003; ExAC 0.00002; TOPMed 0.00002.
gnomAD v4.1: 19 of 1,612,290 alleles (0.0012%); highest among the groups gnomAD compares: East Asian, 0.013%; no homozygotes.

Submissions (2):

Labcorp Genetics (formerly Invitae), Labcorp
Classification: Likely benign for Familial thoracic aortic aneurysm and aortic dissection. Last evaluated: 2025-12-29. Review status: criteria provided, single submitter. Criteria: Invitae Variant Classification Sherloc (09022015). Collection method: clinical testing. Allele origin: germline.

GeneDx
Classification: Likely benign. Last evaluated: 2017-12-15. Review status: criteria provided, single submitter. Criteria: GeneDx Variant Classification (06012015). Collection method: clinical testing. Allele origin: germline. Affected: yes.
Comment: This variant is considered likely benign or benign based on one or more of the following criteria: it is a conservative change, it occurs at a poorly conserved position in the protein, it is predicted to be benign by multiple in silico algorithms, and/or has population frequency not consistent with disease.